The following is an entry in ClinVar:

NM_000823.4(GHRHR):c.1A>T (p.Met1Leu)

Gene: GHRHR (growth hormone releasing hormone receptor; plus strand). Cytogenetic location: 7p14.3.
Variant type: single nucleotide variant.
Coding change: c.1A>T on transcript NM_000823.4 (MANE Select); coding-DNA position 1, A replaced by T.
Protein change: p.Met1Leu; changes the start codon (methionine 1).
Molecular consequence: missense variant, initiator codon variant.
Genome position (GRCh38, 1-based): chr7:30,964,069, A>T. VCF-style: chr7-30964069-A-T. GRCh37 (hg19) VCF-style: chr7-31003684-A-T.
Other names: short protein forms M1L.
Identifiers: ClinVar variation 1371032 (VCV001371032.6), dbSNP rs2128596127, ClinGen allele CA367146417.

ClinVar aggregate classification (germline): Uncertain significance (1 of 4 stars; one submission).

Submission:

Labcorp Genetics (formerly Invitae), Labcorp
Classification: Uncertain significance. Last evaluated: 2021-11-21. Review status: criteria provided, single submitter. Criteria: Invitae Variant Classification Sherloc (09022015). Collection method: clinical testing. Allele origin: germline.
Comment: In summary, the available evidence is currently insufficient to determine the role of this variant in disease. Therefore, it has been classified as a Variant of Uncertain Significance. Experimental studies and prediction algorithms are not available or were not evaluated, and the functional significance of this variant is currently unknown. This variant has not been reported in the literature in individuals affected with GHRHR-related conditions. This variant is not present in population databases (gnomAD no frequency). This sequence change affects the initiator methionine of the GHRHR mRNA. The next in-frame methionine is located at codon 5.